The following is an entry in ClinVar:

ClinVar aggregate classification (germline): Pathogenic/Likely pathogenic. Review status: criteria provided, multiple submitters, no conflicts (2 of 4 stars). 3 submissions from 3 submitters: Pathogenic (1); Likely pathogenic (2). Last evaluated 2025-08-29.

Conditions:
Adult hypophosphatasia. Identifiers: Orphanet 247676, Orphanet 436, MedGen C0268413, MONDO:1010154, OMIM 146300, MONDO:0007798.
Hypophosphatasia. Also called: Phosphoethanol-aminuria. Identifiers: Orphanet 436, MedGen C0020630, MeSH D007014, MONDO:0018570.

Submissions (3):

Genomenon, Inc
Classification: Pathogenic for Hypophosphatasia. Last evaluated: 2025-08-29. Review status: criteria provided, single submitter. Criteria: Genomenon Sequence Variant Interpretation Standards. Collection method: curation. Allele origin: germline. Affected: yes.
Comment: ALPL p.Gly420Ser (c.1258G>A) is a missense variant that changes the amino acid at residue 420 from Glycine to Serine. This variant has been observed in at least one proband affected with hypophosphatasia (PMID:32973344;26432670). At least one functional study has demonstrated a substantial alteration in protein function relative to the wild-type (PMID:23039266;32160374). It is absent or not present at a significant frequency in gnomAD. In silico models agree that this variant is possibly or probably damaging. In conclusion, we classify ALPL p.Gly420Ser (c.1258G>A) as a pathogenic variant.

JKU Lab, Dept of Paediatrics, Johannes Kepler University
Classification: Likely pathogenic for Hypophosphatasia. Last evaluated: 2023-12-05. Review status: criteria provided, single submitter. Criteria: ACMG Guidelines, 2015. Collection method: clinical testing. Allele origin: germline. Affected: yes. Observed: 1 homozygote.
Comment: Additional compounds het c.[1258G>A];[299C>T] and homozygous c.[1258G>A];[1258G>A], Compound het c.[1258G>A];[571G>A] Variant c.299C>T and c.571G>A are not reported in ClinVar.

Baylor Genetics
Classification: Likely pathogenic for Adult hypophosphatasia. Last evaluated: 2023-10-26. Review status: criteria provided, single submitter. Criteria: ACMG Guidelines, 2015. Collection method: clinical testing. Allele origin: unknown.

Literature cited by the submitters: PubMed 32973344 (cited by Genomenon, Inc); PubMed 26432670 (cited by Genomenon, Inc); PubMed 23039266 (cited by Genomenon, Inc); PubMed 32160374 (cited by Genomenon, Inc).

NM_000478.6(ALPL):c.1258G>A (p.Gly420Ser)

Gene: ALPL (alkaline phosphatase, biomineralization associated; plus strand). Cytogenetic location: 1p36.12.
Variant type: single nucleotide variant.
Coding change: c.1258G>A on transcript NM_000478.6 (MANE Select); coding-DNA position 1258, G replaced by A.
Protein change: p.Gly420Ser; replaces glycine 420 with serine.
Molecular consequence: missense variant.
Genome position (GRCh38, 1-based): chr1:21,576,590, G>A. VCF-style: chr1-21576590-G-A. GRCh37 (hg19) VCF-style: chr1-21903083-G-A.
Other names: c.1093G>A, p.Gly365Ser (NM_001127501.4); c.1027G>A, p.Gly343Ser (NM_001177520.3); c.1258G>A, p.Gly420Ser (NM_001369803.2, NM_001369804.2, NM_001369805.2); short protein forms G343S, G365S, G420S.
Identifiers: ClinVar variation 2665103 (VCV002665103.3), dbSNP rs1644740557, ClinGen allele CA338881798.